The following is an entry in ClinVar:

ClinVar aggregate classification (germline): Uncertain significance. Review status: criteria provided, multiple submitters, no conflicts (2 of 4 stars). 2 submissions from 2 submitters: Uncertain significance (2). Last evaluated 2026-03-19.

Conditions:
Intellectual developmental disorder, X-linked 104. Also called: Intellectual disability, X-linked 104. Identifiers: MedGen C4310817, MONDO:0010509, OMIM 300983.

gnomAD v4.1: 1 of 1,211,642 alleles (0.000083%); highest among the groups gnomAD compares: African/African-American, 0.0017%; no homozygotes.

Submissions (2):

GeneDx
Classification: Uncertain significance. Last evaluated: 2026-03-19. Review status: criteria provided, single submitter. Criteria: GeneDx Variant Classification Process June 2021. Collection method: clinical testing. Allele origin: germline.
Comment: Not observed at significant frequency in large population cohorts (gnomAD); In silico analysis suggests that this missense variant does not alter protein structure/function; Has not been previously published as pathogenic or benign to our knowledge

Laboratorio de Genetica e Diagnostico Molecular, Hospital Israelita Albert Einstein
Classification: Uncertain significance for Intellectual developmental disorder, X-linked 104. Last evaluated: 2022-10-10. Review status: criteria provided, single submitter. Criteria: ACMG Guidelines, 2015. Collection method: clinical testing. Allele origin: germline. Affected: yes.
Comment: ACMG classification criteria: PM2 moderate, BP4 supporting

NM_001368397.1(FRMPD4):c.952C>A (p.Gln318Lys)

Gene: FRMPD4 (FERM and PDZ domain containing 4; plus strand). Cytogenetic location: Xp22.2.
Variant type: single nucleotide variant.
Coding change: c.952C>A on transcript NM_001368397.1 (MANE Select); coding-DNA position 952, C replaced by A.
Protein change: p.Gln318Lys; replaces glutamine 318 with lysine.
Molecular consequence: missense variant.
Genome position (GRCh38, 1-based): chrX:12,701,892, C>A. VCF-style: chrX-12701892-C-A. GRCh37 (hg19) VCF-style: chrX-12720011-C-A.
Other names: c.1063C>A, p.Gln355Lys (NM_001368395.3, NM_001368398.3); c.958C>A, p.Gln320Lys (NM_001368396.3); c.943C>A, p.Gln315Lys (NM_001368399.3); c.832C>A, p.Gln278Lys (NM_001368400.3); c.928C>A, p.Gln310Lys (NM_001368401.1, NM_001368402.3); c.952C>A, p.Gln318Lys (NM_014728.3); short protein forms Q318K, Q320K, Q355K, Q278K, Q310K, Q315K.
Identifiers: ClinVar variation 4846797 (VCV004846797.2).